The following is an entry in ClinVar:

ClinVar aggregate classification (germline): Benign (0 of 4 stars; one submission).

Conditions:
ITIH6-related disorder. Also called: ITIH6-related condition.

Allele frequency attached by ClinVar (database versions not stated): gnomAD exomes 0.00037; ExAC 0.00157; 1000 Genomes Project 0.00265; 1000 Genomes Project 30x 0.00354; gnomAD 0.00428; ESP Exome Variant Server 0.00435; TOPMed 0.00506.
gnomAD v4.1: 905 of 1,209,781 alleles (0.075%); highest among the groups gnomAD compares: African/African-American, 1.4%; 5 homozygotes.

Submission:

PreventionGenetics, part of Exact Sciences
Classification: Benign for ITIH6-related condition. Last evaluated: 2019-09-30. Review status: no assertion criteria provided. Collection method: clinical testing. Allele origin: germline.
Comment: This variant is classified as benign based on ACMG/AMP sequence variant interpretation guidelines (Richards et al. 2015 PMID: 25741868, with internal and published modifications).

NM_198510.3(ITIH6):c.3791G>A (p.Arg1264Lys)

Gene: ITIH6 (inter-alpha-trypsin inhibitor heavy chain family member 6; minus strand). Cytogenetic location: Xp11.22.
Variant type: single nucleotide variant.
Coding change: c.3791G>A on transcript NM_198510.3 (MANE Select); coding-DNA position 3791, G replaced by A.
Protein change: p.Arg1264Lys; replaces arginine 1264 with lysine.
Molecular consequence: missense variant.
Genome position (GRCh38, 1-based): chrX:54,750,046, C>T on the plus strand (G>A on the coding strand, the complement: ITIH6 is on the minus strand). VCF-style: chrX-54750046-C-T. GRCh37 (hg19) VCF-style: chrX-54776479-C-T.
Other names: short protein forms R1264K.
Identifiers: ClinVar variation 3040095 (VCV003040095.2), dbSNP rs143515399, ClinGen allele CA10425814.